The following is an entry in ClinVar:

NM_001035.3(RYR2):c.12250G>A (p.Val4084Ile)

Gene: RYR2 (ryanodine receptor 2; plus strand). Cytogenetic location: 1q43.
Variant type: single nucleotide variant.
Coding change: c.12250G>A on transcript NM_001035.3 (MANE Select); coding-DNA position 12250, G replaced by A.
Protein change: p.Val4084Ile; replaces valine 4084 with isoleucine.
Molecular consequence: missense variant.
Genome position (GRCh38, 1-based): chr1:237,783,962, G>A. VCF-style: chr1-237783962-G-A. GRCh37 (hg19) VCF-style: chr1-237947262-G-A.
Other names: short protein forms V4084I.
Identifiers: ClinVar variation 925476 (VCV000925476.8), dbSNP rs1695339297, ClinGen allele CA345412777.
Genomic context (GRCh38, chr1:237,783,962, plus strand): 5'-GAATTTCTTTTGTCTTGTGCGGAGACGGATGAGAATGAAACCCTCGACTACGAAGAGTTC[G>A]TCAAACGCTTCCACGAACCTGCGAAGGACATCGGCTTCAACGTCGCCGTCCTTCTGACAA-3'
Protein context (NP_001026.2, residues 4074-4094): ENETLDYEEF[Val4084Ile]KRFHEPAKDI

ClinVar aggregate classification (germline): Uncertain significance. Review status: criteria provided, multiple submitters, no conflicts (2 of 4 stars). 2 submissions from 2 submitters: Uncertain significance (2). Last evaluated 2023-12-05.

Conditions:
Catecholaminergic polymorphic ventricular tachycardia 1. Also called: VENTRICULAR TACHYCARDIA, CATECHOLAMINERGIC POLYMORPHIC, 1, WITH OR WITHOUT ATRIAL DYSFUNCTION AND/OR DILATED CARDIOMYOPATHY; RYR2-Related Catecholaminergic Polymorphic Ventricular Tachycardia; VENTRICULAR TACHYCARDIA, STRESS-INDUCED POLYMORPHIC 1. Identifiers: Orphanet 3286, MedGen C1631597, MONDO:0011484, OMIM 604772.
Cardiomyopathy (CMYO). Also called: Cardiomyopathies. Identifiers: Orphanet 167848, MedGen C0878544, MONDO:0004994, HP:0001638. Inheritance: Various modes of inheritance.

Allele frequency attached by ClinVar (database versions not stated): gnomAD exomes 0.00001.
gnomAD v4.1: 7 of 1,613,692 alleles (0.00043%); highest among the groups gnomAD compares: South Asian, 0.0055%; no homozygotes.

Submissions (2):

Color Diagnostics, LLC DBA Color Health
Classification: Uncertain significance for Cardiomyopathy. Last evaluated: 2023-12-05. Review status: criteria provided, single submitter. Criteria: ACMG Guidelines, 2015. Collection method: clinical testing. Allele origin: germline.
Comment: Variant of Uncertain Significance due to insufficient evidence: This missense variant is located in the cytoplasmic domain of the RYR2 protein. Computational prediction tools and conservation analyses suggest that this variant may have deleterious impact on the protein function. Computational splicing tools suggest that this variant may not impact RNA splicing. To our knowledge, functional assays have not been performed for this variant nor has this variant been reported in individuals affected with cardiovascular disorders in the literature. This variant is rare in the general population and has been identified in 0/277264 chromosomes by the Genome Aggregation Database (gnomAD). Available evidence is insufficient to determine the role of this variant in disease conclusively.

Labcorp Genetics (formerly Invitae), Labcorp
Classification: Uncertain significance for Catecholaminergic polymorphic ventricular tachycardia 1. Last evaluated: 2023-10-16. Review status: criteria provided, single submitter. Criteria: Invitae Variant Classification Sherloc (09022015). Collection method: clinical testing. Allele origin: germline.
Comment: This sequence change replaces valine, which is neutral and non-polar, with isoleucine, which is neutral and non-polar, at codon 4084 of the RYR2 protein (p.Val4084Ile). This variant is not present in population databases (gnomAD no frequency). This variant has not been reported in the literature in individuals affected with RYR2-related conditions. ClinVar contains an entry for this variant (Variation ID: 925476). Advanced modeling of protein sequence and biophysical properties (such as structural, functional, and spatial information, amino acid conservation, physicochemical variation, residue mobility, and thermodynamic stability) performed at Invitae indicates that this missense variant is not expected to disrupt RYR2 protein function. In summary, the available evidence is currently insufficient to determine the role of this variant in disease. Therefore, it has been classified as a Variant of Uncertain Significance.